The following is an entry in ClinVar:

ClinVar aggregate classification (germline): Uncertain significance (1 of 4 stars; one submission).

Conditions:
Inborn genetic diseases. Identifiers: MedGen C0950123, MeSH D030342.

Allele frequency attached by ClinVar (database versions not stated): ExAC 0.00002; gnomAD 0.00002; TOPMed 0.00002; 1000 Genomes Project 30x 0.00016; 1000 Genomes Project 0.00020.
gnomAD v4.1: 5 of 1,602,526 alleles (0.00031%); highest among the groups gnomAD compares: African/African-American, 0.0053%; no homozygotes.

Submission:

Ambry Genetics
Classification: Uncertain significance for Inborn genetic diseases. Last evaluated: 2024-09-05. Review status: criteria provided, single submitter. Criteria: Ambry Variant Classification Scheme 2023. Collection method: clinical testing. Allele origin: germline.
Comment: The p.D283V variant (also known as c.848A>T), located in coding exon 10 of the ERCC2 gene, results from an A to T substitution at nucleotide position 848. The aspartic acid at codon 283 is replaced by valine, an amino acid with highly dissimilar properties. This amino acid position is conserved. In addition, this alteration is predicted to be tolerated by in silico analysis. Since supporting evidence is limited at this time, the clinical significance of this alteration remains unclear.

NM_000400.4(ERCC2):c.848A>T (p.Asp283Val)

Gene: ERCC2 (ERCC excision repair 2, TFIIH core complex helicase subunit; minus strand). Cytogenetic location: 19q13.32.
Variant type: single nucleotide variant.
Coding change: c.848A>T on transcript NM_000400.4 (MANE Select); coding-DNA position 848, A replaced by T.
Protein change: p.Asp283Val; replaces aspartic acid 283 with valine.
Molecular consequence: missense variant.
Genome position (GRCh38, 1-based): chr19:45,364,087, T>A on the plus strand (A>T on the coding strand, the complement: ERCC2 is on the minus strand). VCF-style: chr19-45364087-T-A. GRCh37 (hg19) VCF-style: chr19-45867345-T-A.
Other names: c.776A>T, p.Asp259Val (NM_001130867.2); short protein forms D283V, D259V.
Identifiers: ClinVar variation 1763562 (VCV001763562.3), dbSNP rs571265507, ClinGen allele CA9513591.